The following is an entry in ClinVar:

NM_175914.5(HNF4A):c.427-197A>C

Gene: HNF4A (hepatocyte nuclear factor 4 alpha; plus strand). Cytogenetic location: 20q13.12.
Variant type: single nucleotide variant.
Coding change: c.427-197A>C on transcript NM_175914.5 (MANE Select); 197 bases into the intron before coding-DNA position 427, A replaced by C.
Molecular consequence: intron variant.
Genome position (GRCh38, 1-based): chr20:44,414,310, A>C. VCF-style: chr20-44414310-A-C. GRCh37 (hg19) VCF-style: chr20-43042950-A-C.
Other names: c.418-197A>C (NM_001287182.2, NM_001287183.2, NM_001287184.2); c.427-197A>C (NM_001030003.3, NM_001030004.3); c.472-197A>C (NM_001258355.2); c.493-197A>C (NM_178849.3, NM_000457.6, NM_178850.3).
Identifiers: ClinVar variation 676908 (VCV000676908.2), dbSNP rs11574739, ClinGen allele CA14848824.

ClinVar aggregate classification (germline): Benign. Review status: criteria provided, multiple submitters, no conflicts (2 of 4 stars). 2 submissions from 2 submitters: Benign (2). Last evaluated 2018-06-14.

Conditions:
Maturity-onset diabetes of the young (MODY). Also called: Maturity onset diabetes mellitus in young. Identifiers: Orphanet 552, MedGen C0342276, MONDO:0018911, HP:0004904.

Allele frequency attached by ClinVar (database versions not stated): 1000 Genomes Project 0.14876; 1000 Genomes Project 30x 0.15459; gnomAD 0.19124 and 0.19545; TOPMed 0.19775.

Submissions (2):

GeneDx
Classification: Benign. Last evaluated: 2018-06-14. Review status: criteria provided, single submitter. Criteria: GeneDx Variant Classification (06012015). Collection method: clinical testing. Allele origin: germline. Affected: yes.
Comment: This variant is considered likely benign or benign based on one or more of the following criteria: it is a conservative change, it occurs at a poorly conserved position in the protein, it is predicted to be benign by multiple in silico algorithms, and/or has population frequency not consistent with disease.

Clinical Genomics, Uppaluri K&H Personalized Medicine Clinic
Classification: Benign for Maturity-onset diabetes of the young. Review status: criteria provided, single submitter. Criteria: K & H Uppaluri Personalized Medicine Clinic Variant Classification & Assertion Criteria_Updated V.1. Collection method: research. Allele origin: unknown. Inheritance: Autosomal dominant inheritance.
Comment: Potent mutations in HNF4A are associated with poor insulin secretion in response to hyperglycemia. Associated with MODY1. Patients initially respond well to sulfonylureas but eventually become insulin dependent. However, more evidence is required to ascertain the role of this particular variant rs11574739 in MODY, yet.

Literature cited by the submitters: DOI 10.1159/000334532 (cited by Clinical Genomics, Uppaluri K&H Personalized Medicine Clinic); PubMed 18268044 (cited by Clinical Genomics, Uppaluri K&H Personalized Medicine Clinic); PubMed 17563455 (cited by Clinical Genomics, Uppaluri K&H Personalized Medicine Clinic); PubMed 32583173 (cited by Clinical Genomics, Uppaluri K&H Personalized Medicine Clinic); PubMed 35052457 (cited by Clinical Genomics, Uppaluri K&H Personalized Medicine Clinic); PubMed 35118593 (cited by Clinical Genomics, Uppaluri K&H Personalized Medicine Clinic).